The following is an entry in ClinVar:

ClinVar aggregate classification (germline): Conflicting classifications of pathogenicity. Review status: criteria provided, conflicting classifications (1 of 4 stars). 9 submissions from 9 submitters: Uncertain significance (7); Benign (1). 1 of the submissions does not count toward it. Last evaluated 2026-01-25.

Conditions:
Lymphangiomyomatosis (LAM). Also called: Lymphangioleiomyomatosis; Lymphangioleiomyomatosis, somatic. Identifiers: Orphanet 538, MedGen C0751674, MONDO:0011705, OMIM 606690.
Tuberous sclerosis 2 (TSC2). Identifiers: Orphanet 805, MedGen C1860707, MONDO:0013199, OMIM 613254.
Isolated focal cortical dysplasia type II (FCORD2). Also called: CORTICAL DYSPLASIA OF TAYLOR; Focal cortical dysplasia type II. Identifiers: Orphanet 268994, MedGen C1846385, MONDO:0011818, OMIM 607341, HP:0032051.
Hereditary cancer-predisposing syndrome. Also called: Tumor predisposition; Neoplastic Syndromes, Hereditary; Hereditary neoplastic syndrome; Hereditary Cancer Syndrome. Identifiers: Orphanet 140162, MedGen C0027672, MeSH D009386, MONDO:0015356.
Tuberous sclerosis syndrome (TSC). Also called: Tuberous Sclerosis Complex; Tuberous sclerosis. Identifiers: Orphanet 805, MedGen C0041341, MONDO:0001734.

gnomAD v4.1: 3 of 1,611,986 alleles (0.00019%); highest among the groups gnomAD compares: Admixed American, 0.0033%; no homozygotes.

Submissions (9):

Labcorp Genetics (formerly Invitae), Labcorp
Classification: Benign for Tuberous sclerosis 2. Last evaluated: 2026-01-25. Review status: criteria provided, single submitter. Criteria: Invitae Variant Classification Sherloc (09022015). Collection method: clinical testing. Allele origin: germline.

Color Diagnostics, LLC DBA Color Health
Classification: Uncertain significance for Tuberous sclerosis syndrome. Last evaluated: 2025-07-14. Review status: criteria provided, single submitter. Criteria: ACMG Guidelines, 2015. Collection method: clinical testing. Allele origin: germline.
Comment: This missense variant replaces isoleucine with methionine at codon 427 of the TSC2 protein. Computational prediction is inconclusive regarding the impact of this variant on protein structure and function. A functional study has shown that this variant does not affect TSC2 interaction with TSC1 or activation of S6K (PMID: 22903760). This variant has been reported in an adult with facial angiofibroma, subependymal nodules, and epilepsy (PMID:22903760). This variant has not been identified in the general population by the Genome Aggregation Database (gnomAD). The available evidence is insufficient to determine the role of this variant in disease conclusively. Therefore, this variant is classified as a Variant of Uncertain Significance.

Dasa
Classification: Uncertain significance for Tuberous sclerosis 2. Last evaluated: 2025-05-16. Review status: criteria provided, single submitter. Criteria: DASA Assertion Criteria. Collection method: clinical testing. Allele origin: germline.
Comment: NM_000548.5(TSC2):c.1281C>G (p.Ile427Met) is a missense variant that results in the substitution of isoleucine with methionine. This variant has been reported in individuals with Tuberous sclerosis 2 (PMID: 22903760). Also, this variant is rare in population databases. The currently available literature and clinical evidence are not sufficient to establish a definitive association between this variant and the reported condition. Therefore, this variant is classified as a variant of uncertain significance.

Ambry Genetics
Classification: Uncertain significance for Hereditary cancer-predisposing syndrome. Last evaluated: 2025-03-04. Review status: criteria provided, single submitter. Criteria: Ambry Variant Classification Scheme 2023. Collection method: clinical testing. Allele origin: germline.
Comment: The p.I427M variant (also known as c.1281C>G), located in coding exon 12 of the TSC2 gene, results from a C to G substitution at nucleotide position 1281. The isoleucine at codon 427 is replaced by methionine, an amino acid with highly similar properties. This alteration has been reported in at least one individual with suspected tuberous sclerosis complex (Hoogeveen-Westerveld M et al. Hum Mutat, 2013 Jan;34:167-75). In one functional study, this alteration was found to have intermediate loss of the TSC1-TSC2 dependent inhibition of TORC1. (Hoogeveen-Westerveld M et al. Hum Mutat, 2013 Jan;34:167-75). This amino acid position is well conserved in available vertebrate species. In addition, the in silico prediction for this alteration is inconclusive. Based on the available evidence, the clinical significance of this variant remains unclear.

Quest Diagnostics Nichols Institute San Juan Capistrano
Classification: Uncertain significance. Last evaluated: 2024-08-30. Review status: criteria provided, single submitter. Criteria: Quest Diagnostics criteria. Collection method: clinical testing. Allele origin: unknown.
Comment: The TSC2 c.1281C>G (p.Ile427Met) variant has been reported in the published literature in an individual suspected of having TSC (PMID: 22903760 (2013)).A functional study have reported inconclusive results on the effect this variant has on protein function (PMID: 22903760 (2013)). This variant has not been reported in large, multi-ethnic general populations (Genome Aggregation Database). Analysis of this variant using bioinformatics tools for the prediction of the effect of amino acid changes on protein structure and function yielded conflicting predictions that this variant is benign or damaging. Based on the available information, we are unable to determine the clinical significance of this variant.

Fulgent Genetics
Classification: Uncertain significance for Lymphangiomyomatosis; Isolated focal cortical dysplasia type II; Tuberous sclerosis 2. Last evaluated: 2022-05-31. Review status: criteria provided, single submitter. Criteria: ACMG Guidelines, 2015. Collection method: clinical testing. Allele origin: unknown.

Genome-Nilou Lab
Classification: Uncertain significance for Tuberous sclerosis 2. Last evaluated: 2021-11-07. Review status: criteria provided, single submitter. Criteria: ACMG Guidelines, 2015. Collection method: clinical testing. Allele origin: germline. Affected: no.

Blueprint Genetics
Classification: Uncertain significance. Last evaluated: 2018-05-11. Review status: criteria provided, single submitter. Criteria: ACMG Guidelines, 2015. Collection method: clinical testing. Allele origin: germline.

Tuberous sclerosis database (TSC2)
No classification provided. Condition: TSC. Review status: no classification provided. Criteria: Tuberous Sclerosis Database Assertion Criteria 2015. Collection method: curation. Allele origin: germline. Affected: yes. Not counted in ClinVar's aggregate classification.

Literature cited by the submitters: PubMed 22903760 (cited by 4 submitters); PubMed 23514105 (cited by Ambry Genetics).

NM_000548.5(TSC2):c.1281C>G (p.Ile427Met)

Gene: TSC2 (TSC complex subunit 2; plus strand). Cytogenetic location: 16p13.3.
Variant type: single nucleotide variant.
Coding change: c.1281C>G on transcript NM_000548.5 (MANE Select); coding-DNA position 1281, C replaced by G.
Protein change: p.Ile427Met; replaces isoleucine 427 with methionine.
Molecular consequence: missense variant.
Genome position (GRCh38, 1-based): chr16:2,062,520, C>G. VCF-style: chr16-2062520-C-G. GRCh37 (hg19) VCF-style: chr16-2112521-C-G.
Other names: c.1281C>G, p.Ile427Met (NM_001077183.3, NM_001114382.3, NM_001363528.2 and 3 more transcripts); c.1170C>G, p.Ile390Met (NM_001318827.2); c.1134C>G, p.Ile378Met (NM_001318829.2); c.681C>G, p.Ile227Met (NM_001318831.2); c.1314C>G, p.Ile438Met (NM_001318832.2); short protein forms I427M, I227M, I378M, I390M, I438M.
Identifiers: ClinVar variation 64940 (VCV000064940.24), dbSNP rs45478892, ClinGen allele CA014342.